The following is an entry in ClinVar:

NM_000168.6(GLI3):c.1969G>A (p.Gly657Ser)

Gene: GLI3 (GLI family zinc finger 3; minus strand). Cytogenetic location: 7p14.1.
Variant type: single nucleotide variant.
Coding change: c.1969G>A on transcript NM_000168.6 (MANE Select); coding-DNA position 1969, G replaced by A.
Protein change: p.Gly657Ser; replaces glycine 657 with serine.
Molecular consequence: missense variant.
Genome position (GRCh38, 1-based): chr7:41,972,471, C>T on the plus strand (G>A on the coding strand, the complement: GLI3 is on the minus strand). VCF-style: chr7-41972471-C-T. GRCh37 (hg19) VCF-style: chr7-42012070-C-T.
Other names: short protein forms G657S.
Identifiers: ClinVar variation 392802 (VCV000392802.10), dbSNP rs377579354, ClinGen allele CA4230720.

ClinVar aggregate classification (germline): Conflicting classifications of pathogenicity. Review status: criteria provided, conflicting classifications (1 of 4 stars). 3 submissions from 3 submitters: Uncertain significance (2); Benign (1). Last evaluated 2022-01-10.

Conditions:
Inborn genetic diseases. Identifiers: MedGen C0950123, MeSH D030342.
Greig cephalopolysyndactyly syndrome (GCPS). Also called: Greig syndrome; POLYSYNDACTYLY WITH PECULIAR SKULL SHAPE; GLI3-Related Greig Cephalopolysyndactyly Syndrome. Identifiers: Orphanet 380, MedGen C0265306, MONDO:0008287, OMIM 175700.
Pallister-Hall syndrome (PHS). Also called: GLI3-Related Pallister-Hall Syndrome; HYPOTHALAMIC HAMARTOBLASTOMA, HYPOPITUITARISM, IMPERFORATE ANUS, AND POSTAXIAL POLYDACTYLY. Identifiers: Orphanet 672, MedGen C0265220, MONDO:0007804, OMIM 146510.

Allele frequency attached by ClinVar (database versions not stated): ExAC 0.00001; gnomAD exomes 0.00002 and 0.00005; gnomAD 0.00004; TOPMed 0.00004; ESP Exome Variant Server 0.00008.

Submissions (3):

Ambry Genetics
Classification: Uncertain significance for Inborn genetic diseases. Last evaluated: 2022-01-10. Review status: criteria provided, single submitter. Criteria: Ambry Variant Classification Scheme 2023. Collection method: clinical testing. Allele origin: germline.

Labcorp Genetics (formerly Invitae), Labcorp
Classification: Benign for Pallister-Hall syndrome; Greig cephalopolysyndactyly syndrome. Last evaluated: 2021-08-23. Review status: criteria provided, single submitter. Criteria: Invitae Variant Classification Sherloc (09022015). Collection method: clinical testing. Allele origin: germline.

GeneDx
Classification: Uncertain significance. Last evaluated: 2018-10-18. Review status: criteria provided, single submitter. Criteria: GeneDx Variant Classification (06012015). Collection method: clinical testing. Allele origin: germline. Affected: yes.
Comment: A variant of uncertain significance has been identified in the GLI3 gene. The G657S variant has not been published as a pathogenic variant, nor has it been reported as a benign variant to our knowledge. The G657S variant is not observed at a significant frequency in large population cohorts (Lek et al., 2016; 1000 Genomes Consortium et al., 2015; Exome Variant Server). The G657S variant is a non-conservative amino acid substitution, which is likely to impact secondary protein structure as these residues differ in polarity, charge, size and/or other properties. In silico analysis predicts this variant is probably damaging to the protein structure/function. However, this substitution occurs at a position that is not conserved. Therefore, based on the currently available information, it is unclear whether this variant is a pathogenic variant or a rare benign variant.